The following is an entry in ClinVar:

ClinVar aggregate classification (germline): Uncertain significance. Review status: criteria provided, multiple submitters, no conflicts (2 of 4 stars). 7 submissions from 4 submitters: Uncertain significance (7). Last evaluated 2025-10-02.

Conditions:
Hemolytic uremic syndrome, atypical, susceptibility to, 1. Also called: AHUS, SUSCEPTIBILITY TO, 1. Identifiers: Orphanet 2134, Orphanet 90038, MedGen C2749604, MONDO:0009335, OMIM 235400. Disease mechanism: Other.
Age related macular degeneration 4. Identifiers: MedGen C1853147, MONDO:0012540, OMIM 610698.
Basal laminar drusen. Also called: DRUSEN OF BRUCH MEMBRANE; DRUSEN, CUTICULAR; DRUSEN, EARLY ADULT-ONSET, GROUPED. Identifiers: Orphanet 75376, MedGen C0730295, MONDO:0007472, OMIM 126700.
Factor H deficiency (CFHD). Also called: CFH DEFICIENCY; COMPLEMENT FACTOR H DEFICIENCY. Identifiers: Orphanet 200421, MedGen C0398777, MONDO:0012350, OMIM 609814.

Allele frequency attached by ClinVar (database versions not stated): gnomAD exomes 0.00003 and 0.00004; ExAC 0.00007.
gnomAD v4.1: 51 of 1,611,334 alleles (0.0032%); highest among the groups gnomAD compares: Non-Finnish European, 0.0025%; no homozygotes.

Submissions (7):

Genomenon, Inc
Classification: Uncertain significance for Age related macular degeneration 4. Last evaluated: 2025-10-02. Review status: criteria provided, single submitter. Criteria: Genomenon Sequence Variant Interpretation Standards - Updated. Collection method: curation. Allele origin: germline. Affected: yes.
Comment: CFH p.Gly255Glu (c.764G>A) is a missense variant that changes the amino acid at residue 255 from Glycine to Glutamic acid. This variant has been observed in at least one proband affected with age-related macular degeneration (PMID:34508573;36246952). Functional studies have been reported (PMID:34508573). It is absent or not present at a significant frequency in gnomAD. In conclusion, we classify CFH p.Gly255Glu (c.764G>A) as a variant of uncertain significance.

Labcorp Genetics (formerly Invitae), Labcorp
Classification: Uncertain significance. Last evaluated: 2024-05-22. Review status: criteria provided, single submitter. Criteria: Invitae Variant Classification Sherloc (09022015). Collection method: clinical testing. Allele origin: germline.
Comment: This sequence change replaces glycine, which is neutral and non-polar, with glutamic acid, which is acidic and polar, at codon 255 of the CFH protein (p.Gly255Glu). This variant is present in population databases (rs771112278, gnomAD 0.02%). This missense change has been observed in individual(s) with CFH-related conditions (PMID: 34508573). ClinVar contains an entry for this variant (Variation ID: 1162887). An algorithm developed to predict the effect of missense changes on protein structure and function (PolyPhen-2) suggests that this variant is likely to be disruptive. In summary, the available evidence is currently insufficient to determine the role of this variant in disease. Therefore, it has been classified as a Variant of Uncertain Significance.

Genome-Nilou Lab
Classification: Uncertain significance for Hemolytic uremic syndrome, atypical, susceptibility to, 1. Last evaluated: 2023-04-11. Review status: criteria provided, single submitter. Criteria: ACMG Guidelines, 2015. Collection method: clinical testing. Allele origin: germline. Affected: no.

Genome-Nilou Lab
Classification: Uncertain significance for Age related macular degeneration 4. Last evaluated: 2023-04-11. Review status: criteria provided, single submitter. Criteria: ACMG Guidelines, 2015. Collection method: clinical testing. Allele origin: germline. Affected: no.

Genome-Nilou Lab
Classification: Uncertain significance for Basal laminar drusen. Last evaluated: 2023-04-11. Review status: criteria provided, single submitter. Criteria: ACMG Guidelines, 2015. Collection method: clinical testing. Allele origin: germline. Affected: no.

Genome-Nilou Lab
Classification: Uncertain significance for Factor H deficiency. Last evaluated: 2023-04-11. Review status: criteria provided, single submitter. Criteria: ACMG Guidelines, 2015. Collection method: clinical testing. Allele origin: germline. Affected: no.

Mayo Clinic Laboratories, Mayo Clinic
Classification: Uncertain significance. Last evaluated: 2020-06-18. Review status: criteria provided, single submitter. Criteria: ACMG Guidelines, 2015. Collection method: clinical testing. Allele origin: germline. Observed: 1 variant allele.

Literature cited by the submitters: PubMed 34508573 (cited by Genomenon, Inc and Labcorp Genetics (formerly Invitae), Labcorp); PubMed 36246952 (cited by Genomenon, Inc).

NM_000186.4(CFH):c.764G>A (p.Gly255Glu)

Gene: CFH (complement factor H; plus strand). Cytogenetic location: 1q31.3.
Variant type: single nucleotide variant.
Coding change: c.764G>A on transcript NM_000186.4 (MANE Select); coding-DNA position 764, G replaced by A.
Protein change: p.Gly255Glu; replaces glycine 255 with glutamic acid.
Molecular consequence: missense variant.
Genome position (GRCh38, 1-based): chr1:196,679,767, G>A. VCF-style: chr1-196679767-G-A. GRCh37 (hg19) VCF-style: chr1-196648897-G-A.
Other names: c.764G>A, p.Gly255Glu (NM_001014975.3); short protein forms G255E.
Identifiers: ClinVar variation 1162887 (VCV001162887.11), dbSNP rs771112278, ClinGen allele CA1305139.